The following is an entry in ClinVar:

ClinVar aggregate classification (germline): Benign/Likely benign. Review status: criteria provided, multiple submitters, no conflicts (2 of 4 stars). 8 submissions from 8 submitters: Benign (2); Likely benign (3). 3 of the submissions do not count toward it. Last evaluated 2026-01-26.

Allele frequency attached by ClinVar (database versions not stated): 1000 Genomes Project 30x 0.00297; ExAC below 0.00001; gnomAD 0.00533; gnomAD exomes 0.00785 and 0.01017; 1000 Genomes Project 0.00080; TOPMed 0.00620.

Submissions (8):

Labcorp Genetics (formerly Invitae), Labcorp
Classification: Benign. Last evaluated: 2026-01-26. Review status: criteria provided, single submitter. Criteria: Invitae Variant Classification Sherloc (09022015). Collection method: clinical testing. Allele origin: germline.

CeGaT Center for Human Genetics Tuebingen
Classification: Likely benign. Last evaluated: 2025-09-01. Review status: criteria provided, single submitter. Criteria: CeGaT Center For Human Genetics Tuebingen Variant Classification Criteria Version 2. Collection method: clinical testing. Allele origin: germline. Affected: yes. Observed: 5 variant alleles.
Comment: GRM6: BS2

Blueprint Genetics
Classification: Likely benign. Last evaluated: 2024-11-19. Review status: criteria provided, single submitter. Criteria: ACMG Guidelines, 2015. Collection method: clinical testing. Allele origin: germline.

Eurofins Ntd Llc (ga)
Classification: Benign. Last evaluated: 2016-11-04. Review status: criteria provided, single submitter. Criteria: EGL Classification Definitions 2015. Collection method: clinical testing. Allele origin: germline. Observed: 4 variant alleles, 4 heterozygotes.

Breakthrough Genomics
Classification: Likely benign. Review status: criteria provided, single submitter. Criteria: ACMG Guidelines, 2015. Collection method: not provided. Allele origin: germline. Inheritance: Autosomal recessive inheritance. Affected: yes.

Clinical Genetics DNA and cytogenetics Diagnostics Lab, Erasmus MC, Erasmus Medical Center
Classification: Likely benign. Review status: no assertion criteria provided. Collection method: clinical testing. Allele origin: germline. Affected: yes. Study: VKGL Data-share Consensus. Not counted in ClinVar's aggregate classification.

Clinical Genetics, Academic Medical Center
Classification: Benign. Review status: no assertion criteria provided. Collection method: clinical testing. Allele origin: germline. Affected: yes. Study: VKGL Data-share Consensus. Not counted in ClinVar's aggregate classification.

Retina International
No classification provided. Review status: no classification provided. Collection method: not provided. Allele origin: unknown. Not counted in ClinVar's aggregate classification.

Literature cited by the submitters: PubMed 15781871 (cited by Eurofins Ntd Llc (ga)).

NM_000843.4(GRM6):c.19G>A (p.Ala7Thr)

Gene: GRM6 (glutamate metabotropic receptor 6; minus strand). Cytogenetic location: 5q35.3.
Variant type: single nucleotide variant.
Coding change: c.19G>A on transcript NM_000843.4 (MANE Select); coding-DNA position 19, G replaced by A.
Protein change: p.Ala7Thr; replaces alanine 7 with threonine.
Molecular consequence: missense variant.
Genome position (GRCh38, 1-based): chr5:178,994,926, C>T on the plus strand (G>A on the coding strand, the complement: GRM6 is on the minus strand). VCF-style: chr5-178994926-C-T. GRCh37 (hg19) VCF-style: chr5-178421927-C-T.
Other names: short protein forms A7T.
Identifiers: ClinVar variation 93440 (VCV000093440.56), dbSNP rs62642053, ClinGen allele CA221373.